The following is an entry in ClinVar:

ClinVar aggregate classification (germline): Conflicting classifications of pathogenicity. Review status: criteria provided, conflicting classifications (1 of 4 stars). 4 submissions from 4 submitters: Uncertain significance (1); Likely benign (2). 1 of the submissions does not count toward it. Last evaluated 2024-02-28.

Conditions:
Hereditary cancer-predisposing syndrome. Also called: Tumor predisposition; Neoplastic Syndromes, Hereditary; Hereditary neoplastic syndrome; Hereditary Cancer Syndrome. Identifiers: Orphanet 140162, MedGen C0027672, MeSH D009386, MONDO:0015356.
Hereditary breast ovarian cancer syndrome. Also called: Hereditary breast and ovarian cancer; Hereditary breast and ovarian cancer syndrome (HBOC); Hereditary breast and ovarian cancer syndrome; BRCA1- and BRCA2-Associated Hereditary Breast and Ovarian Cancer; Breast and ovarian cancer; Hereditary breast and/or ovarian cancer syndrome. Identifiers: Orphanet 145, MedGen C0677776, MeSH D061325, MONDO:0003582. Disease mechanism: loss of function.
Breast-ovarian cancer, familial, susceptibility to, 2 (BROVCA2). Also called: BRCA2 Hereditary Breast and Ovarian Cancer. Identifiers: Orphanet 145, MedGen C2675520, MONDO:0012933, OMIM 612555. Disease mechanism: loss of function.

Submissions (4):

Ambry Genetics
Classification: Likely benign for Hereditary cancer-predisposing syndrome. Last evaluated: 2024-02-28. Review status: criteria provided, single submitter. Criteria: Ambry Variant Classification Scheme 2023. Collection method: clinical testing. Allele origin: germline.

University of Washington Department of Laboratory Medicine, University of Washington
Classification: Likely benign for Hereditary cancer-predisposing syndrome. Last evaluated: 2023-03-23. Review status: criteria provided, single submitter. Criteria: Dines et al. (Genet Med. 2020). Collection method: curation. Allele origin: germline.
Comment: Missense variant in a coldspot region where missense variants are very unlikely to be pathogenic (PMID:31911673).

BRCA2 exon 10 coldspot. Reclassification based on statistical prior probability.

Labcorp Genetics (formerly Invitae), Labcorp
Classification: Uncertain significance for Hereditary breast ovarian cancer syndrome. Last evaluated: 2018-11-19. Review status: criteria provided, single submitter. Criteria: Invitae Variant Classification Sherloc (09022015). Collection method: clinical testing. Allele origin: germline.
Comment: In summary, the available evidence is currently insufficient to determine the role of this variant in disease. Therefore, it has been classified as a Variant of Uncertain Significance. Algorithms developed to predict the effect of missense changes on protein structure and function are either unavailable or do not agree on the potential impact of this missense change (SIFT: "Tolerated"; PolyPhen-2: "Possibly Damaging"; Align-GVGD: "Class C0"). This variant has been observed in an individual affected with ovarian cancer (PMID: 26306726). ClinVar contains an entry for this variant (Variation ID: 156164). This variant is not present in population databases (ExAC no frequency). This sequence change replaces leucine with phenylalanine at codon 482 of the BRCA2 protein (p.Leu482Phe). The leucine residue is weakly conserved and there is a small physicochemical difference between leucine and phenylalanine.

Sharing Clinical Reports Project (SCRP)
Classification: Uncertain significance for Breast-ovarian cancer, familial 2. Last evaluated: 2012-01-10. Review status: no assertion criteria provided. Collection method: clinical testing. Allele origin: germline. Not counted in ClinVar's aggregate classification.

Literature cited by the submitters: PubMed 26306726 (cited by Labcorp Genetics (formerly Invitae), Labcorp).

NM_000059.4(BRCA2):c.1444C>T (p.Leu482Phe)

Gene: BRCA2 (BRCA2 DNA repair associated; plus strand). Cytogenetic location: 13q13.1.
Variant type: single nucleotide variant.
Coding change: c.1444C>T on transcript NM_000059.4 (MANE Select); coding-DNA position 1444, C replaced by T.
Protein change: p.Leu482Phe; replaces leucine 482 with phenylalanine.
Molecular consequence: missense variant.
Genome position (GRCh38, 1-based): chr13:32,332,922, C>T. VCF-style: chr13-32332922-C-T. GRCh37 (hg19) VCF-style: chr13-32907059-C-T.
Other names: 1672C>T; short protein forms L482F.
Identifiers: ClinVar variation 156164 (VCV000156164.13), dbSNP rs587776460, ClinGen allele CA012054.